The following is an entry in ClinVar:

NM_005609.4(PYGM):c.470G>T (p.Gly157Val)

Gene: PYGM (glycogen phosphorylase, muscle associated; minus strand). Cytogenetic location: 11q13.1.
Variant type: single nucleotide variant.
Coding change: c.470G>T on transcript NM_005609.4 (MANE Select); coding-DNA position 470, G replaced by T.
Protein change: p.Gly157Val; replaces glycine 157 with valine.
Molecular consequence: missense variant. On other transcripts: intron variant (1).
Genome position (GRCh38, 1-based): chr11:64,758,304, C>A on the plus strand (G>T on the coding strand, the complement: PYGM is on the minus strand). VCF-style: chr11-64758304-C-A. GRCh37 (hg19) VCF-style: chr11-64525776-C-A.
Other names: c.244-38G>T (NM_001164716.1); short protein forms G157V.
Identifiers: ClinVar variation 2735643 (VCV002735643.3), dbSNP rs2058407754, ClinGen allele CA381109180.
Genomic context (GRCh38, chr11:64,758,304, plus strand): 5'-ACCTGCCAGCCCCCGGAGATCTTCTGGTTAAAAATCCCAAACTCATAGCGAATCCCGTAG[C>A]CATAGGCGGCCAGGCCCAGTGTTGCCATGGAGTCAAGAAAGCAGGCTGGGGGTGTGCAGG-3'
Protein context (NP_005600.1, residues 147-167): SMATLGLAAY[Gly157Val]YGIRYEFGIF

ClinVar aggregate classification (germline): Likely pathogenic (1 of 4 stars; one submission).

Conditions:
Glycogen storage disease, type V (GSD5). Also called: McArdle type glycogen storage disease; MCARDLE DISEASE; MUSCLE GLYCOGEN PHOSPHORYLASE DEFICIENCY; MYOPHOSPHORYLASE DEFICIENCY; PYGM DEFICIENCY. Identifiers: Orphanet 368, MedGen C0017924, MONDO:0009293, OMIM 232600.

Submission:

Labcorp Genetics (formerly Invitae), Labcorp
Classification: Likely pathogenic for Glycogen storage disease, type V. Last evaluated: 2022-11-29. Review status: criteria provided, single submitter. Criteria: Invitae Variant Classification Sherloc (09022015). Collection method: clinical testing. Allele origin: germline.
Comment: In summary, the currently available evidence indicates that the variant is pathogenic, but additional data are needed to prove that conclusively. Therefore, this variant has been classified as Likely Pathogenic. Advanced modeling of protein sequence and biophysical properties (such as structural, functional, and spatial information, amino acid conservation, physicochemical variation, residue mobility, and thermodynamic stability) performed at Invitae indicates that this missense variant is expected to disrupt PYGM protein function. This missense change has been observed in individual(s) with McArdle disease (PMID: 17404776). This variant is not present in population databases (gnomAD no frequency). This sequence change replaces glycine, which is neutral and non-polar, with valine, which is neutral and non-polar, at codon 157 of the PYGM protein (p.Gly157Val).

Literature cited by the submitters: PubMed 17404776.